The following is an entry in ClinVar:

ClinVar aggregate classification (germline): Pathogenic (1 of 4 stars; one submission).

Conditions:
Juvenile polyposis syndrome (JPS). Identifiers: Orphanet 2929, MedGen C0345893, MONDO:0017380, OMIM 174900.

Submission:

Labcorp Genetics (formerly Invitae), Labcorp
Classification: Pathogenic for Juvenile polyposis syndrome. Last evaluated: 2018-11-04. Review status: criteria provided, single submitter. Criteria: Invitae Variant Classification Sherloc (09022015). Collection method: clinical testing. Allele origin: germline.
Comment: For these reasons, this variant has been classified as Pathogenic. Loss-of-function variants in SMAD4 are known to be pathogenic (PMID: 16152648, 16436638, 22810475). This variant has not been reported in the literature in individuals with SMAD4-related disease. This variant is not present in population databases (ExAC no frequency). This sequence change creates a premature translational stop signal (p.Glu417Serfs*11) in the SMAD4 gene. It is expected to result in an absent or disrupted protein product.

Literature cited by the submitters: PubMed 16152648; PubMed 16436638; PubMed 22810475.

NM_005359.6(SMAD4):c.1249_1250del (p.Glu417fs)

Gene: SMAD4 (SMAD family member 4; plus strand). Cytogenetic location: 18q21.2.
Variant type: Microsatellite.
Coding change: c.1249_1250del on transcript NM_005359.6 (MANE Select); coding-DNA positions 1249 to 1250, 2 bases deleted (GA; older notation c.1249_1250delGA).
Protein change: p.Glu417fs; shifts the reading frame from glutamic acid 417.
Molecular consequence: frameshift variant.
Genome position (GRCh38, 1-based): chr18:51,067,128-51,067,129, GA deleted; deleting any 2 consecutive bases within chr18:51,067,125-51,067,129 gives the same sequence; the c. name uses the placement nearest the transcript's 3' end. VCF-style (leftmost placement, unchanged base first): chr18-51067124-CAG-C. GRCh37 (hg19) VCF-style: chr18-48593494-CAG-C.
Other names: c.1249_1250delGA (NM_005359.5); short protein forms E417fs.
Identifiers: ClinVar variation 653799 (VCV000653799.8), dbSNP rs1599197105, ClinGen allele CA915951539.